The following is an entry in ClinVar:

NM_176787.5(PIGN):c.1196T>G (p.Phe399Cys)

Gene: PIGN (phosphatidylinositol glycan anchor biosynthesis class N; minus strand). Cytogenetic location: 18q21.33.
Variant type: single nucleotide variant.
Coding change: c.1196T>G on transcript NM_176787.5 (MANE Select); coding-DNA position 1196, T replaced by G.
Protein change: p.Phe399Cys; replaces phenylalanine 399 with cysteine.
Molecular consequence: missense variant.
Genome position (GRCh38, 1-based): chr18:62,114,616, A>C on the plus strand (T>G on the coding strand, the complement: PIGN is on the minus strand). VCF-style: chr18-62114616-A-C. GRCh37 (hg19) VCF-style: chr18-59781849-A-C.
Other names: c.1196T>G, p.Phe399Cys (NM_012327.6); c.1196T>G (NM_176787.4); short protein forms F399C.
Identifiers: ClinVar variation 1905584 (VCV001905584.3), dbSNP rs1201393219, ClinGen allele CA402606187.

ClinVar aggregate classification (germline): Uncertain significance. Review status: criteria provided, multiple submitters, no conflicts (2 of 4 stars). 2 submissions from 2 submitters: Uncertain significance (2). Last evaluated 2026-02-12.

Conditions:
Multiple congenital anomalies-hypotonia-seizures syndrome 1 (MCAHS1). Also called: GLYCOSYLPHOSPHATIDYLINOSITOL BIOSYNTHESIS DEFECT 3; PIGN-CDG; Congenital disorder of glycosylation due to PIGN deficiency. Identifiers: Orphanet 280633, MedGen C3279775, MONDO:0013563, OMIM 614080.

Allele frequency attached by ClinVar (database versions not stated): gnomAD exomes below 0.00001.
gnomAD v4.1: 5 of 1,516,196 alleles (0.00033%); highest among the groups gnomAD compares: Non-Finnish European, 0.00027%; no homozygotes.

Submissions (2):

GeneDx
Classification: Uncertain significance. Last evaluated: 2026-02-12. Review status: criteria provided, single submitter. Criteria: GeneDx Variant Classification Process June 2021. Collection method: clinical testing. Allele origin: germline.
Comment: Not observed at significant frequency in large population cohorts (gnomAD); In silico analysis suggests that this missense variant does not alter protein structure/function; Has not been previously published as pathogenic or benign to our knowledge

Labcorp Genetics (formerly Invitae), Labcorp
Classification: Uncertain significance for Multiple congenital anomalies-hypotonia-seizures syndrome 1. Last evaluated: 2022-08-03. Review status: criteria provided, single submitter. Criteria: Invitae Variant Classification Sherloc (09022015). Collection method: clinical testing. Allele origin: germline.
Comment: This sequence change replaces phenylalanine, which is neutral and non-polar, with cysteine, which is neutral and slightly polar, at codon 399 of the PIGN protein (p.Phe399Cys). This variant is present in population databases (no rsID available, gnomAD 0.002%). This variant has not been reported in the literature in individuals affected with PIGN-related conditions. Algorithms developed to predict the effect of missense changes on protein structure and function are either unavailable or do not agree on the potential impact of this missense change (SIFT: "Not Available"; PolyPhen-2: "Benign"; Align-GVGD: "Not Available"). In summary, the available evidence is currently insufficient to determine the role of this variant in disease. Therefore, it has been classified as a Variant of Uncertain Significance.